The following is an entry in ClinVar:

NM_025243.4(SLC19A3):c.518A>G (p.Asn173Ser)

Gene: SLC19A3 (solute carrier family 19 member 3; minus strand). Cytogenetic location: 2q36.3.
Variant type: single nucleotide variant.
Coding change: c.518A>G on transcript NM_025243.4 (MANE Select); coding-DNA position 518, A replaced by G.
Protein change: p.Asn173Ser; replaces asparagine 173 with serine.
Molecular consequence: missense variant.
Genome position (GRCh38, 1-based): chr2:227,699,197, T>C on the plus strand (A>G on the coding strand, the complement: SLC19A3 is on the minus strand). VCF-style: chr2-227699197-T-C. GRCh37 (hg19) VCF-style: chr2-228563913-T-C.
Other names: c.518A>G, p.Asn173Ser (NM_001371411.1, NM_001371412.1); c.506A>G, p.Asn169Ser (NM_001371413.1, NM_001371414.1); short protein forms N173S, N169S.
Identifiers: ClinVar variation 970749 (VCV000970749.10), dbSNP rs1279277694, ClinGen allele CA350877052.
Genomic context (GRCh38, chr2:227,699,197, plus strand): 5'-GGCATTGGTAGGAAAAGTGAGAAAAGGAAAGCCACGGAGACAGAGGCCAAGGATATGACG[T>C]TGAGGTAAAAGTACGACATGTTCGCCAGGGATACCAAGAGTTGAGCCAGCACCGACCCTG-3'
Protein context (NP_079519.1, residues 163-183): SLANMSYFYL[Asn173Ser]VISLASVSVA

ClinVar aggregate classification (germline): Uncertain significance. Review status: criteria provided, multiple submitters, no conflicts (2 of 4 stars). 2 submissions from 2 submitters: Uncertain significance (2). Last evaluated 2024-12-18.

Conditions:
Biotin-responsive basal ganglia disease (BTBGD). Also called: Thiamine metabolism dysfunction syndrome 2 (biotin- or thiamine-responsive encephalopathy type 2); thiamine-responsive encephalopathy; Thiamine metabolism dysfunction syndrome type 2; Thiamine Transporter-2 Deficiency; THIAMINE METABOLISM DYSFUNCTION SYNDROME 2 (BIOTIN- AND THIAMINE-RESPONSIVE TYPE). Identifiers: Orphanet 199348, Orphanet 65284, MedGen C1843807, MONDO:0011841, OMIM 607483.

Allele frequency attached by ClinVar (database versions not stated): TOPMed below 0.00001; gnomAD 0.00001; gnomAD exomes 0.00001.
gnomAD v4.1: 4 of 1,613,798 alleles (0.00025%); highest among the groups gnomAD compares: African/African-American, 0.0013%; no homozygotes.

Submissions (2):

GeneDx
Classification: Uncertain significance. Last evaluated: 2024-12-18. Review status: criteria provided, single submitter. Criteria: GeneDx Variant Classification Process June 2021. Collection method: clinical testing. Allele origin: germline. Affected: yes.
Comment: Not observed at significant frequency in large population cohorts (gnomAD); In silico analysis supports that this missense variant has a deleterious effect on protein structure/function; Has not been previously published as pathogenic or benign to our knowledge

Labcorp Genetics (formerly Invitae), Labcorp
Classification: Uncertain significance for Biotin-responsive basal ganglia disease. Last evaluated: 2019-10-31. Review status: criteria provided, single submitter. Criteria: Invitae Variant Classification Sherloc (09022015). Collection method: clinical testing. Allele origin: germline.
Comment: Algorithms developed to predict the effect of missense changes on protein structure and function are either unavailable or do not agree on the potential impact of this missense change (SIFT: "Tolerated"; PolyPhen-2: "Probably Damaging"; Align-GVGD: "Class C0"). This sequence change replaces asparagine with serine at codon 173 of the SLC19A3 protein (p.Asn173Ser). The asparagine residue is moderately conserved and there is a small physicochemical difference between asparagine and serine. This variant is not present in population databases (ExAC no frequency). This variant has not been reported in the literature in individuals with SLC19A3-related conditions. Algorithms developed to predict the effect of sequence changes on RNA splicing suggest that this variant may create or strengthen a splice site, but this prediction has not been confirmed by published transcriptional studies. In summary, the available evidence is currently insufficient to determine the role of this variant in disease. Therefore, it has been classified as a Variant of Uncertain Significance.